The following is an entry in ClinVar:

NM_000075.4(CDK4):c.563A>G (p.Gln188Arg)

Gene: CDK4 (cyclin dependent kinase 4; minus strand). Cytogenetic location: 12q14.1.
Variant type: single nucleotide variant.
Coding change: c.563A>G on transcript NM_000075.4 (MANE Select); coding-DNA position 563, A replaced by G.
Protein change: p.Gln188Arg; replaces glutamine 188 with arginine.
Molecular consequence: missense variant.
Genome position (GRCh38, 1-based): chr12:57,750,725, T>C on the plus strand (A>G on the coding strand, the complement: CDK4 is on the minus strand). VCF-style: chr12-57750725-T-C. GRCh37 (hg19) VCF-style: chr12-58144508-T-C.
Other names: short protein forms Q188R.
Identifiers: ClinVar variation 1409175 (VCV001409175.6), dbSNP rs2140385786, ClinGen allele CA385545869.

ClinVar aggregate classification (germline): Uncertain significance (1 of 4 stars; one submission).

Conditions:
Familial melanoma. Also called: Hereditary melanoma; Hereditary cutaneous melanoma. Identifiers: Orphanet 618, MedGen C1512419, MONDO:0018961.

Allele frequency attached by ClinVar (database versions not stated): gnomAD exomes below 0.00001.

Submission:

Labcorp Genetics (formerly Invitae), Labcorp
Classification: Uncertain significance for Familial melanoma. Last evaluated: 2021-08-24. Review status: criteria provided, single submitter. Criteria: Invitae Variant Classification Sherloc (09022015). Collection method: clinical testing. Allele origin: germline.
Comment: This sequence change replaces glutamine with arginine at codon 188 of the CDK4 protein (p.Gln188Arg). The glutamine residue is highly conserved and there is a small physicochemical difference between glutamine and arginine. This variant is not present in population databases (ExAC no frequency). This variant has not been reported in the literature in individuals affected with CDK4-related conditions. Advanced modeling of protein sequence and biophysical properties (such as structural, functional, and spatial information, amino acid conservation, physicochemical variation, residue mobility, and thermodynamic stability) performed at Invitae indicates that this missense variant is not expected to disrupt CDK4 protein function. In summary, the available evidence is currently insufficient to determine the role of this variant in disease. Therefore, it has been classified as a Variant of Uncertain Significance.